The following is an entry in ClinVar:

ClinVar aggregate classification (germline): Uncertain significance. Review status: criteria provided, multiple submitters, no conflicts (2 of 4 stars). 2 submissions from 2 submitters: Uncertain significance (2). Last evaluated 2026-01-19.

Conditions:
Visceral neuropathy, familial, 2, autosomal recessive. Identifiers: MedGen C5561950, MONDO:0030399, OMIM 619465.

Allele frequency attached by ClinVar (database versions not stated): ESP Exome Variant Server 0.00015; TOPMed 0.00015.

Submissions (2):

Labcorp Genetics (formerly Invitae), Labcorp
Classification: Uncertain significance. Last evaluated: 2026-01-19. Review status: criteria provided, single submitter. Criteria: Invitae Variant Classification Sherloc (09022015). Collection method: clinical testing. Allele origin: germline.
Comment: This sequence change replaces aspartic acid, which is acidic and polar, with tyrosine, which is neutral and polar, at codon 1084 of the ERBB2 protein (p.Asp1084Tyr). This variant is present in population databases (rs200796676, gnomAD 0.01%). This missense change has been observed in individual(s) with myeloproliferative neoplasms, breast cancer (PMID: 34209587). ClinVar contains an entry for this variant (Variation ID: 860880). An algorithm developed to predict the effect of missense changes on protein structure and function (PolyPhen-2) suggests that this variant is likely to be disruptive. In summary, the available evidence is currently insufficient to determine the role of this variant in disease. Therefore, it has been classified as a Variant of Uncertain Significance.

Clinical Genomics Laboratory, Washington University in St. Louis
Classification: Uncertain significance for Visceral neuropathy, familial, 2, autosomal recessive. Last evaluated: 2024-07-26. Review status: criteria provided, single submitter. Criteria: ACMG Guidelines, 2015. Collection method: clinical testing. Allele origin: germline.
Comment: The ERBB2 c.3250G>T (p.Asp1084Tyr) variant, to our knowledge, has not been reported in the medical literature. This variant has been reported in the ClinVar database as a variant of uncertain significance by one submitter (Variation ID: 860880). The highest population minor allele frequency in the population database genome aggregation database (v.2.1.1) is 0.0125% in the European non-Finnish population. Computational predictors are uncertain as to the impact of this variant on ERBB2 function. Due to limited information, the clinical significance of this variant is uncertain.

Literature cited by the submitters: PubMed 34209587 (cited by Labcorp Genetics (formerly Invitae), Labcorp).

NM_004448.4(ERBB2):c.3250G>T (p.Asp1084Tyr)

Gene: ERBB2 (erb-b2 receptor tyrosine kinase 2; plus strand). Cytogenetic location: 17q12.
Variant type: single nucleotide variant.
Coding change: c.3250G>T on transcript NM_004448.4 (MANE Select); coding-DNA position 3250, G replaced by T.
Protein change: p.Asp1084Tyr; replaces aspartic acid 1084 with tyrosine.
Molecular consequence: missense variant. On other transcripts: non-coding transcript variant (1), intron variant (2).
Genome position (GRCh38, 1-based): chr17:39,727,385, G>T. VCF-style: chr17-39727385-G-T. GRCh37 (hg19) VCF-style: chr17-37883638-G-T.
Other names: c.3160G>T, p.Asp1054Tyr (NM_001005862.3, NM_001382782.1, NM_001382783.1); c.3205G>T, p.Asp1069Tyr (NM_001289936.2); c.3367G>T, p.Asp1123Tyr (NM_001382784.1); c.3352G>T, p.Asp1118Tyr (NM_001382785.1); c.3331G>T, p.Asp1111Tyr (NM_001382786.1); c.3325G>T, p.Asp1109Tyr (NM_001382787.1); c.3280G>T, p.Asp1094Tyr (NM_001382788.1); c.3271G>T, p.Asp1091Tyr (NM_001382789.1); and 17 more; short protein forms D1054Y, D1069Y, D1084Y, D1016Y, D1022Y, D1024Y, D1032Y, D1051Y.
Identifiers: ClinVar variation 860880 (VCV000860880.10), dbSNP rs200796676, ClinGen allele CA8534510.
Genomic context (GRCh38, chr17:39,727,385, plus strand): 5'-GAGCCCTCTGAAGAGGAGGCCCCCAGGTCTCCACTGGCACCCTCCGAAGGGGCTGGCTCC[G>T]ATGTATTTGATGGTGACCTGGGAATGGGGGCAGCCAAGGGGCTGCAAAGCCTCCCCACAC-3'
Protein context (NP_004439.2, residues 1074-1094): PLAPSEGAGS[Asp1084Tyr]VFDGDLGMGA